The following is an entry in ClinVar:

NM_003906.5(MCM3AP):c.4381C>T (p.Pro1461Ser)

Genes: MCM3AP (minichromosome maintenance complex component 3 associated protein; minus strand), MCM3AP-AS1 (MCM3AP antisense RNA 1; plus strand). Cytogenetic location: 21q22.3.
Variant type: single nucleotide variant.
Coding change: c.4381C>T on transcript NM_003906.5 (MANE Select); coding-DNA position 4381, C replaced by T.
Protein change: p.Pro1461Ser; replaces proline 1461 with serine.
Molecular consequence: missense variant.
Genome position (GRCh38, 1-based): chr21:46,246,796, G>A on the plus strand (C>T on the coding strand, the complement: MCM3AP is on the minus strand). VCF-style: chr21-46246796-G-A. GRCh37 (hg19) VCF-style: chr21-47666710-G-A.
Other names: c.4381C>T (NM_003906.3); short protein forms P1461S.
Identifiers: ClinVar variation 1515684 (VCV001515684.7), dbSNP rs756156237, ClinGen allele CA10076141.
Genomic context (GRCh38, chr21:46,246,796, plus strand): 5'-GCAAGGCCGACAGCCAGTACACGTCCTCCTCTGCCATGTCCTCACTCTTCATTTTGGGGG[G>A]AAGCAGCAGCATGAGCCCACTGGCTCCCAGGAGGTCCTTCTGTGTCTCCACAGCATCAAT-3'
Protein context (NP_003897.2, residues 1451-1471): LGASGLMLLL[Pro1461Ser]PKMKSEDMAE

ClinVar aggregate classification (germline): Uncertain significance. Review status: criteria provided, multiple submitters, no conflicts (2 of 4 stars). 2 submissions from 2 submitters: Uncertain significance (2). Last evaluated 2024-12-20.

Conditions:
Inborn genetic diseases. Identifiers: MedGen C0950123, MeSH D030342.

Allele frequency attached by ClinVar (database versions not stated): ExAC 0.00001; gnomAD exomes 0.00001.

Submissions (2):

Ambry Genetics
Classification: Uncertain significance for Inborn genetic diseases. Last evaluated: 2024-12-20. Review status: criteria provided, single submitter. Criteria: Ambry Variant Classification Scheme 2023. Collection method: clinical testing. Allele origin: germline.

Labcorp Genetics (formerly Invitae), Labcorp
Classification: Uncertain significance. Last evaluated: 2022-02-21. Review status: criteria provided, single submitter. Criteria: Invitae Variant Classification Sherloc (09022015). Collection method: clinical testing. Allele origin: germline.
Comment: In summary, the available evidence is currently insufficient to determine the role of this variant in disease. Therefore, it has been classified as a Variant of Uncertain Significance. Algorithms developed to predict the effect of missense changes on protein structure and function are either unavailable or do not agree on the potential impact of this missense change (SIFT: "Deleterious"; PolyPhen-2: "Benign"; Align-GVGD: "Class C65"). This variant has not been reported in the literature in individuals affected with MCM3AP-related conditions. This variant is present in population databases (rs756156237, gnomAD 0.006%). This sequence change replaces proline, which is neutral and non-polar, with serine, which is neutral and polar, at codon 1461 of the MCM3AP protein (p.Pro1461Ser).